The following is an entry in ClinVar:

NM_001018115.3(FANCD2):c.2753T>C (p.Leu918Pro)

Genes: FANCD2 (FA complementation group D2; plus strand), LOC107303338 (3p25 FANCD2 Alu-mediated recombination region; plus strand). Cytogenetic location: 3p25.3.
Variant type: single nucleotide variant.
Coding change: c.2753T>C on transcript NM_001018115.3 (MANE Select); coding-DNA position 2753, T replaced by C.
Protein change: p.Leu918Pro; replaces leucine 918 with proline.
Molecular consequence: missense variant.
Genome position (GRCh38, 1-based): chr3:10,074,567, T>C. VCF-style: chr3-10074567-T-C. GRCh37 (hg19) VCF-style: chr3-10116251-T-C.
Other names: c.2753T>C, p.Leu918Pro (NM_001319984.2, NM_001374254.1, NM_033084.6); c.2642T>C, p.Leu881Pro (NM_001374253.1); short protein forms L881P, L918P.
Identifiers: ClinVar variation 2769267 (VCV002769267.3), dbSNP rs751496034, ClinGen allele CA2250182.

ClinVar aggregate classification (germline): Uncertain significance (1 of 4 stars; one submission).

Conditions:
Fanconi anemia (FA). Also called: Fanconi's anemia. Identifiers: Orphanet 84, MedGen C0015625, MeSH D005199, MONDO:0019391.

Allele frequency attached by ClinVar (database versions not stated): gnomAD exomes below 0.00001; ExAC 0.00001.
gnomAD v4.1: 5 of 1,613,878 alleles (0.00031%); highest among the groups gnomAD compares: Non-Finnish European, 0.00042%; no homozygotes.

Submission:

Labcorp Genetics (formerly Invitae), Labcorp
Classification: Uncertain significance for Fanconi anemia. Last evaluated: 2024-01-11. Review status: criteria provided, single submitter. Criteria: Invitae Variant Classification Sherloc (09022015). Collection method: clinical testing. Allele origin: germline.
Comment: This sequence change replaces leucine, which is neutral and non-polar, with proline, which is neutral and non-polar, at codon 918 of the FANCD2 protein (p.Leu918Pro). This variant is present in population databases (rs751496034, gnomAD 0.0009%). This variant has not been reported in the literature in individuals affected with FANCD2-related conditions. Advanced modeling of protein sequence and biophysical properties (such as structural, functional, and spatial information, amino acid conservation, physicochemical variation, residue mobility, and thermodynamic stability) has been performed at Invitae for this missense variant, however the output from this modeling did not meet the statistical confidence thresholds required to predict the impact of this variant on FANCD2 protein function. In summary, the available evidence is currently insufficient to determine the role of this variant in disease. Therefore, it has been classified as a Variant of Uncertain Significance.